The following is an entry in ClinVar:

ClinVar aggregate classification (germline): Likely benign (0 of 4 stars; one submission).

Conditions:
ARSH-related condition.

gnomAD v4.1: 757 of 1,193,877 alleles (0.063%); highest among the groups gnomAD compares: Non-Finnish European, 0.083%; no homozygotes.

Submission:

PreventionGenetics, part of Exact Sciences
Classification: Likely benign for ARSH-related condition. Last evaluated: 2024-09-09. Review status: no assertion criteria provided. Collection method: clinical testing. Allele origin: germline.
Comment: This variant is classified as likely benign based on ACMG/AMP sequence variant interpretation guidelines (Richards et al. 2015 PMID: 25741868, with internal and published modifications).

NM_001011719.2(ARSH):c.-18G>A

Gene: ARSH (arylsulfatase family member H; plus strand). Cytogenetic location: Xp22.33.
Variant type: single nucleotide variant.
Coding change: c.-18G>A on transcript NM_001011719.2 (MANE Select); 18 bases upstream of the start codon, G replaced by A.
Molecular consequence: 5 prime UTR variant.
Genome position (GRCh38, 1-based): chrX:3,006,595, G>A. VCF-style: chrX-3006595-G-A. GRCh37 (hg19) VCF-style: chrX-2924636-G-A.
Identifiers: ClinVar variation 3349104 (VCV003349104.1).